The following is an entry in ClinVar:

ClinVar aggregate classification (germline): Likely pathogenic. Review status: criteria provided, single submitter (1 of 4 stars). 2 submissions from 2 submitters: Likely pathogenic (1). 1 of the submissions does not count toward it. Last evaluated 2017-10-13.

Conditions:
Hereditary factor VIII deficiency disease (HEMA). Also called: HEMOPHILIA, CLASSIC; Hemophilia A; Hemophilia A, congenital; HEM A; Factor 8 deficiency, congenital; AUTOSOMAL HEMOPHILIA A. Identifiers: Orphanet 98878, MedGen C0019069, MONDO:0010602, OMIM 306700.

Submissions (2):

ARUP Laboratories, Molecular Genetics and Genomics, ARUP Laboratories
Classification: Likely pathogenic. Last evaluated: 2017-10-13. Review status: criteria provided, single submitter. Criteria: ARUP Molecular Germline Variant Investigation Process. Collection method: clinical testing. Allele origin: germline.
Comment: The F8 c.1648C>G, p.Arg550Gly variant (rs137852417), also known as Arg531Gly, has been reported in two individuals with mild hemophilia A (Higuchi 1991, Tavassoli 1998). Other missense variants at this position (p.Arg550Cys, p.Arg550His, p.Arg550Leu) have also been reported in multiple individuals diagnosed with hemophilia A (Eckhardt 2013). The variant is listed as pathogenic in ClinVar (Variation ID: 10224), and is not observed in the general population databases (1000 Genomes Project, Exome Variant Server, Genome Aggregation Database). The arginine at position 550 is highly conserved, and computational algorithms (Align GVGD, Mutation Taster, PolyPhen-2, SIFT) predict that the variant has an impact on F8 protein structure or function. Based on the above information, the p.Arg550Gly variant is classified as likely pathogenic. References: Eckhardt C et al. Factor VIII gene (F8) mutation and risk of inhibitor development in nonsevere hemophilia A. Blood. 2013; 122(11):1954-62. Higuchi M et al. Molecular characterization of mild-to-moderate hemophilia A: detection of the mutation in 25 of 29 patients by denaturing gradient gel electrophoresis. Proc Natl Acad Sci U S A. 1991; 88(19):8307-11. Tavassoli K et al. Molecular diagnostics of 15 hemophilia A patients: characterization of eight novel mutations in the factor VIII gene, two of which result in exon skipping. Hum Mutat. 1998; 12(5):301-3.

OMIM
Classification: Pathogenic for HEMOPHILIA A. Last evaluated: 1991-10-01. Review status: no assertion criteria provided. Collection method: literature only. Allele origin: germline. Not counted in ClinVar's aggregate classification.

Literature cited by the submitters: PubMed 1924291 (cited by OMIM).

NM_000132.4(F8):c.1648C>G (p.Arg550Gly)

Gene: F8 (coagulation factor VIII; minus strand). Cytogenetic location: Xq28.
Variant type: single nucleotide variant.
Coding change: c.1648C>G on transcript NM_000132.4 (MANE Select); coding-DNA position 1648, C replaced by G.
Protein change: p.Arg550Gly; replaces arginine 550 with glycine.
Molecular consequence: missense variant.
Genome position (GRCh38, 1-based): chrX:154,957,061, G>C on the plus strand (C>G on the coding strand, the complement: F8 is on the minus strand). VCF-style: chrX-154957061-G-C. GRCh37 (hg19) VCF-style: chrX-154185336-G-C.
Other names: F8, ARG531GLY; R531G; short protein forms R550G.
Identifiers: ClinVar variation 10224 (VCV000010224.8), dbSNP rs137852417, ClinGen allele CA255114.